The following is an entry in ClinVar:

ClinVar aggregate classification (germline): Uncertain significance (1 of 4 stars; one submission).

Conditions:
Inborn genetic diseases. Identifiers: MedGen C0950123, MeSH D030342.

Submission:

Ambry Genetics
Classification: Uncertain significance for Inborn genetic diseases. Last evaluated: 2026-07-11. Review status: criteria provided, single submitter. Criteria: Ambry Variant Classification Scheme 2023. Collection method: clinical testing. Allele origin: germline.
Comment: The p.S1566P variant (also known as c.4696T>C), located in coding exon 1 of the SAMD9L gene, results from a T to C substitution at nucleotide position 4696. The serine at codon 1566 is replaced by proline, an amino acid with similar properties. This amino acid position is conserved. In addition, the in silico prediction for this alteration is inconclusive. Based on the available evidence, the clinical significance of this variant remains unclear.

NM_152703.5(SAMD9L):c.4696T>C (p.Ser1566Pro)

Gene: SAMD9L (sterile alpha motif domain containing 9 like; minus strand). Cytogenetic location: 7q21.2.
Variant type: single nucleotide variant.
Coding change: c.4696T>C on transcript NM_152703.5 (MANE Select); coding-DNA position 4696, T replaced by C.
Protein change: p.Ser1566Pro; replaces serine 1566 with proline.
Molecular consequence: missense variant.
Genome position (GRCh38, 1-based): chr7:93,131,276, A>G on the plus strand (T>C on the coding strand, the complement: SAMD9L is on the minus strand). VCF-style: chr7-93131276-A-G. GRCh37 (hg19) VCF-style: chr7-92760589-A-G.
Other names: c.4696T>C, p.Ser1566Pro (NM_001303496.3, NM_001303497.3, NM_001303498.3 and 5 more transcripts); short protein forms S1566P.
Identifiers: ClinVar variation 5028884 (VCV005028884.1).